The following is an entry in ClinVar:

NM_173689.7(CRB2):c.2661_2663delinsTTGCTCGGCGCTTGCTCGGCGCCT (p.Ser888delinsCysSerAlaLeuAlaArgArgLeu)

Gene: CRB2 (crumbs cell polarity complex component 2; plus strand). Cytogenetic location: 9q33.3.
Variant type: Indel.
Coding change: c.2661_2663delinsTTGCTCGGCGCTTGCTCGGCGCCT on transcript NM_173689.7 (MANE Select); coding-DNA positions 2661 to 2663, GTC replaced by TTGCTCGGCGCTTGCTCGGCGCCT.
Protein change: p.Ser888delinsCysSerAlaLeuAlaArgArgLeu.
Molecular consequence: inframe indel. On other transcripts: non-coding transcript variant (1).
Genome position (GRCh38, 1-based): chr9:123,373,192-123,373,194, GTC replaced by TTGCTCGGCGCTTGCTCGGCGCCT. VCF-style: chr9-123373192-GTC-TTGCTCGGCGCTTGCTCGGCGCCT. GRCh37 (hg19) VCF-style: chr9-126135471-GTC-TTGCTCGGCGCTTGCTCGGCGCCT.
Identifiers: ClinVar variation 2627354 (VCV002627354.5), dbSNP rs2550687725, ClinGen allele CA2582342014.

ClinVar aggregate classification (germline): Conflicting classifications of pathogenicity. Review status: criteria provided, conflicting classifications (1 of 4 stars). 4 submissions from 4 submitters: Likely pathogenic (2); Uncertain significance (2). Last evaluated 2026-04-29.

Conditions:
Ventriculomegaly-cystic kidney disease. Also called: Ventriculomegaly with cystic kidney disease. Identifiers: Orphanet 443988, MedGen C1857423, MONDO:0009063, OMIM 219730.

Submissions (4):

Victorian Clinical Genetics Services, Murdoch Childrens Research Institute
Classification: Likely pathogenic for Ventriculomegaly-cystic kidney disease. Last evaluated: 2026-04-29. Review status: criteria provided, single submitter. Criteria: ACMG Guidelines, 2015. Collection method: clinical testing. Allele origin: germline. Affected: yes.
Comment: This variant is classified as Likely pathogenic. Evidence in support of pathogenic classification: In-frame insertion/deletion in a non-repetitive region that has moderate conservation; Variant is present in gnomAD <0.01 for a recessive condition (v4: 50 heterozygote(s), 0 homozygote(s)); This variant has limited previous evidence of pathogenicity in unrelated individuals. This variant has been classified as a VUS and as likely pathogenic by clinical laboratories in ClinVar, with the latter reported in a compound heterozygous state in two siblings. This variant has also been reported in a homozygous state in two siblings with ventriculomegaly and ophthalmological abnormalities, no renal phenotype was observed (PMID: 36071576). Additional information: This variant is heterozygous; This gene is associated with autosomal recessive disease; No published functional evidence has been identified for this variant; Another in frame deletion/insertion variant comparable to the one identified in this case has inconclusive previous evidence for pathogenicity. The p.(Ser889del) variant has been classified as a VUS by a clinical laboratory in ClinVar; Loss of function is a known mechanism of disease in this gene and is associated with focal segmental glomerulosclerosis 9 (MIM#616220), and ventriculomegaly with cystic kidney disease (MIM#219730); Variants in this gene are known to have variable expressivity (PMID: 27867342); Parental origin of the variant is unresolved.

Clinical Genetics Laboratory, Region Ostergotland
Classification: Likely pathogenic for Ventriculomegaly-cystic kidney disease. Last evaluated: 2025-08-22. Review status: criteria provided, single submitter. Criteria: ACMG Guidelines, 2015. Collection method: clinical testing. Allele origin: germline. Affected: yes.
Comment: The NM_173689.7:c.2661_2663delinsTTGCTCGGCGCTTGCTCGGCGCCT variant in gene CRB2 was found in two individuals with the same phenotype. Both also carried a second variant in trans, confirmed by parental testing. The following ACMG/AMP criteria were applied in classifying this variant: PM2, PM4, PM3_moderate

Blueprint Genetics
Classification: Uncertain significance. Last evaluated: 2024-11-22. Review status: criteria provided, single submitter. Criteria: ACMG Guidelines, 2015. Collection method: clinical testing. Allele origin: germline.

Women's Health and Genetics/Laboratory Corporation of America, LabCorp
Classification: Uncertain significance. Last evaluated: 2023-09-28. Review status: criteria provided, single submitter. Criteria: LabCorp Variant Classification Summary - May 2015. Collection method: clinical testing. Allele origin: germline.
Comment: Variant summary: CRB2 c.2661_2663delins24 (p.Ser888delinsCysSerAlaLeuAlaArgArgLeu) results in an in-frame deletion-insertion that is predicted to delete one amino acid and insert 8 amino acids in the laminin G domain (IPR001791) of the encoded protein. The variant was absent in 145080 control chromosomes (gnomAD). The available data on variant occurrences in the general population are insufficient to allow any conclusion about variant significance. c.2661_2663delins24 has been reported in the literature in the homozygous state in two siblings with clinical features of CRB2-related syndrome, namely congenital-onset hydrocephalus and ventriculomegaly, however, they had non-specific eye findings and no renal manifestations (Adutwum_2022). Therefore, this report does not provide unequivocal conclusions about association of the variant with CRB2-related disorders. To our knowledge, no experimental evidence demonstrating an impact on protein function has been reported. The following publication has been ascertained in the context of this evaluation (PMID: 36071576). No submitters have cited clinical-significance assessments for this variant to ClinVar after 2014. Based on the evidence outlined above, the variant was classified as uncertain significance.

Literature cited by the submitters: PubMed 27867342 (cited by Victorian Clinical Genetics Services, Murdoch Childrens Research Institute); PubMed 36071576 (cited by Victorian Clinical Genetics Services, Murdoch Childrens Research Institute and Women's Health and Genetics/Laboratory Corporation of America, LabCorp).